The following is an entry in ClinVar:

NM_000179.3(MSH6):c.2322A>G (p.Leu774=)

Gene: MSH6 (mutS homolog 6; plus strand). Cytogenetic location: 2p16.3.
Variant type: single nucleotide variant.
Coding change: c.2322A>G on transcript NM_000179.3 (MANE Select); coding-DNA position 2322, A replaced by G.
Protein change: p.Leu774=; no amino-acid change (leucine 774 retained).
Molecular consequence: synonymous variant.
Genome position (GRCh38, 1-based): chr2:47,800,305, A>G. VCF-style: chr2-47800305-A-G. GRCh37 (hg19) VCF-style: chr2-48027444-A-G.
Other names: c.1932A>G, p.Leu644= (NM_001281492.2); c.1416A>G, p.Leu472= (NM_001281493.2, NM_001281494.2).
Identifiers: ClinVar variation 382556 (VCV000382556.35), dbSNP rs1057521386, ClinGen allele CA16604319.

ClinVar aggregate classification (germline): Benign/Likely benign. Review status: criteria provided, multiple submitters, no conflicts (2 of 4 stars). 7 submissions from 7 submitters: Benign (1); Likely benign (6). Last evaluated 2026-01-01.

Conditions:
Hereditary nonpolyposis colorectal neoplasms. Identifiers: MedGen C0009405, MeSH D003123.
Lynch syndrome. Identifiers: Orphanet 144, MedGen C4552100, MONDO:0005835. Disease mechanism: loss of function.
Hereditary cancer-predisposing syndrome. Also called: Neoplastic Syndromes, Hereditary; Hereditary neoplastic syndrome; Tumor predisposition; Hereditary Cancer Syndrome. Identifiers: Orphanet 140162, MedGen C0027672, MeSH D009386, MONDO:0015356.
Lynch syndrome 5 (LYNCH5). Also called: Colorectal cancer, hereditary nonpolyposis, type 5; Hereditary non-polyposis colorectal cancer, type 5. Identifiers: Orphanet 144, MedGen C1833477, MONDO:0013710, OMIM 614350. Disease mechanism: loss of function.

Allele frequency attached by ClinVar (database versions not stated): TOPMed below 0.00001.
gnomAD v4.1: 1 of 1,614,182 alleles (0.000062%); no homozygotes.

Submissions (7):

CeGaT Center for Human Genetics Tuebingen
Classification: Likely benign. Last evaluated: 2026-01-01. Review status: criteria provided, single submitter. Criteria: CeGaT Center For Human Genetics Tuebingen Variant Classification Criteria Version 2. Collection method: clinical testing. Allele origin: germline. Affected: yes. Observed: 2 variant alleles.
Comment: MSH6: BP4, BP7

Labcorp Genetics (formerly Invitae), Labcorp
Classification: Likely benign for Hereditary nonpolyposis colorectal neoplasms. Last evaluated: 2025-07-06. Review status: criteria provided, single submitter. Criteria: Invitae Variant Classification Sherloc (09022015). Collection method: clinical testing. Allele origin: germline.

Myriad Genetics, Inc.
Classification: Benign for Lynch syndrome 5. Last evaluated: 2024-12-31. Review status: criteria provided, single submitter. Criteria: Myriad Autosomal Dominant, Autosomal Recessive and X-Linked Classification Criteria (2023). Collection method: clinical testing. Allele origin: unknown.
Comment: This variant is considered benign. This variant is a silent/synonymous amino acid change and it is not expected to impact splicing.

All of Us Research Program, National Institutes of Health
Classification: Likely benign for Lynch syndrome. Last evaluated: 2023-09-17. Review status: criteria provided, single submitter. Criteria: ACMG Guidelines, 2015. Collection method: clinical testing. Allele origin: germline. Inheritance: Autosomal dominant inheritance. Observed: 1 variant allele, 1 heterozygote.
Comment: This study involves interpretation of variants in research participants for the purpose of population health screening. Participant phenotype was not available at the time of variant classification. Additional details can be found in publication PMID: 35346344, PMCID: PMC8962531

Color Diagnostics, LLC DBA Color Health
Classification: Likely benign for Hereditary cancer-predisposing syndrome. Last evaluated: 2017-12-11. Review status: criteria provided, single submitter. Criteria: ACMG Guidelines, 2015. Collection method: clinical testing. Allele origin: germline.

Ambry Genetics
Classification: Likely benign for Hereditary cancer-predisposing syndrome. Last evaluated: 2017-06-20. Review status: criteria provided, single submitter. Criteria: Ambry Variant Classification Scheme 2023. Collection method: clinical testing. Allele origin: germline.

GeneDx
Classification: Likely benign. Last evaluated: 2016-11-11. Review status: criteria provided, single submitter. Criteria: GeneDx Variant Classification (06012015). Collection method: clinical testing. Allele origin: germline. Affected: yes.
Comment: This variant is considered likely benign or benign based on one or more of the following criteria: it is a conservative change, it occurs at a poorly conserved position in the protein, it is predicted to be benign by multiple in silico algorithms, and/or has population frequency not consistent with disease.